The following is an entry in ClinVar:

NM_002485.5(NBN):c.59C>T (p.Thr20Ile)

Gene: NBN (nibrin; minus strand). Cytogenetic location: 8q21.3.
Variant type: single nucleotide variant.
Coding change: c.59C>T on transcript NM_002485.5 (MANE Select); coding-DNA position 59, C replaced by T.
Protein change: p.Thr20Ile; replaces threonine 20 with isoleucine.
Molecular consequence: missense variant. On other transcripts: 5 prime UTR variant (1).
Genome position (GRCh38, 1-based): chr8:89,982,834, G>A on the plus strand (C>T on the coding strand, the complement: NBN is on the minus strand). VCF-style: chr8-89982834-G-A. GRCh37 (hg19) VCF-style: chr8-90995062-G-A.
Other names: c.-238C>T (NM_001024688.3); short protein forms T20I.
Identifiers: ClinVar variation 565635 (VCV000565635.13), dbSNP rs1563584711, ClinGen allele CA371663612.
Genomic context (GRCh38, chr8:89,982,834, plus strand): 5'-GACTGATCATTTTCAATCAGAATGGCACAGTTTTTCCTTCCAACAACGTACTCAACGCCA[G>A]TCAAAAGTCTGTATGGTTCTCCTGAGATAAATTTTTTTTTAAAAAAAGATAAGTTGATAG-3'
Protein context (NP_002476.2, residues 10-30): PAGGEPYRLL[Thr20Ile]GVEYVVGRKN

ClinVar aggregate classification (germline): Uncertain significance. Review status: criteria provided, multiple submitters, no conflicts (2 of 4 stars). 2 submissions from 2 submitters: Uncertain significance (2). Last evaluated 2023-02-18.

Conditions:
Microcephaly, normal intelligence and immunodeficiency (NBS). Also called: Nijmegen breakage syndrome; Immunodeficiency, microcephaly with normal intelligence; SEEMANOVA SYNDROME II; Microcephaly with normal intelligence immunodeficiency and lymphoreticular malignancies; Nonsyndromal microcephaly autosomal recessive with normal intelligence; Seemanova syndrome 2. Identifiers: Orphanet 647, MedGen C0398791, MONDO:0009623, OMIM 251260.

Submissions (2):

Labcorp Genetics (formerly Invitae), Labcorp
Classification: Uncertain significance for Microcephaly, normal intelligence and immunodeficiency. Last evaluated: 2023-02-18. Review status: criteria provided, single submitter. Criteria: Invitae Variant Classification Sherloc (09022015). Collection method: clinical testing. Allele origin: germline.
Comment: In summary, the available evidence is currently insufficient to determine the role of this variant in disease. Therefore, it has been classified as a Variant of Uncertain Significance. An algorithm developed to predict the effect of missense changes on protein structure and function (PolyPhen-2) suggests that this variant is likely to be tolerated. ClinVar contains an entry for this variant (Variation ID: 565635). This variant has not been reported in the literature in individuals affected with NBN-related conditions. This variant is not present in population databases (gnomAD no frequency). This sequence change replaces threonine, which is neutral and polar, with isoleucine, which is neutral and non-polar, at codon 20 of the NBN protein (p.Thr20Ile).

Genome-Nilou Lab
Classification: Uncertain significance for Microcephaly, normal intelligence and immunodeficiency. Last evaluated: 2021-11-07. Review status: criteria provided, single submitter. Criteria: ACMG Guidelines, 2015. Collection method: clinical testing. Allele origin: germline. Affected: no.